The following is an entry in ClinVar:

NM_000138.5(FBN1):c.6410G>C (p.Cys2137Ser)

Gene: FBN1 (fibrillin 1; minus strand). Cytogenetic location: 15q21.1.
Variant type: single nucleotide variant.
Coding change: c.6410G>C on transcript NM_000138.5 (MANE Select); coding-DNA position 6410, G replaced by C.
Protein change: p.Cys2137Ser; replaces cysteine 2137 with serine.
Molecular consequence: missense variant.
Genome position (GRCh38, 1-based): chr15:48,437,047, C>G on the plus strand (G>C on the coding strand, the complement: FBN1 is on the minus strand). VCF-style: chr15-48437047-C-G. GRCh37 (hg19) VCF-style: chr15-48729244-C-G.
Other names: short protein forms C2137S.
Identifiers: ClinVar variation 519770 (VCV000519770.5), dbSNP rs1555395206, ClinGen allele CA392336647.
Genomic context (GRCh38, chr15:48,437,047, plus strand): 5'-TAACCAAAGGGACACTCGCAGCGATAGGAACCATCTGTATTGATGCACTGTCCATGTTTA[C>G]AGACATCGGGTTCTTTGCATTCGTCCATATCTTAAGCAAGAGAAAAAAAATAGTGAATAA-3'
Protein context (NP_000129.3, residues 2127-2147): DMDECKEPDV[Cys2137Ser]KHGQCINTDG

ClinVar aggregate classification (germline): Pathogenic (1 of 4 stars; one submission).

Conditions:
Familial thoracic aortic aneurysm and aortic dissection (TAAD). Also called: Thoracic aortic aneurysms and dissections. Identifiers: Orphanet 91387, MedGen C4707243, MONDO:0019625.

Submission:

Ambry Genetics
Classification: Pathogenic for Familial thoracic aortic aneurysm and aortic dissection. Last evaluated: 2018-11-26. Review status: criteria provided, single submitter. Criteria: Ambry Variant Classification Scheme 2023. Collection method: clinical testing. Allele origin: germline.
Comment: The p.C2137S pathogenic mutation (also known as c.6410G>C), located in coding exon 52 of the FBN1 gene, results from a G to C substitution at nucleotide position 6410. The cysteine at codon 2137 is replaced by serine, an amino acid with dissimilar properties, and is located in the cbEGF-like #32 domain. Another alteration affecting this amino acid (p.C2137G, c.6409T>G) has been previously detected in a Marfan syndrome cohort (Proost D et al. Hum Mutat. 2015;36(8):808-14). The majority of FBN1 mutations identified to date have involved the substitution or generation of cysteine residues within cbEGF domains (Vollbrandt T et al. J Biol Chem. 2004;279(31):32924-32931). Furthermore, internal structural analysis indicates that this alteration results in structural destabilization of cbEGF domain 32, due to the loss of a conserved disulfide bond (Downing AK et al. Cell. 1996;85(4):597-605). Based on the supporting evidence, this alteration is interpreted as a disease-causing mutation.

Literature cited by the submitters: PubMed 8653794.